The following is an entry in ClinVar:

NM_002439.5(MSH3):c.2707A>T (p.Ser903Cys)

Gene: MSH3 (mutS homolog 3; plus strand). Cytogenetic location: 5q14.1.
Variant type: single nucleotide variant.
Coding change: c.2707A>T on transcript NM_002439.5 (MANE Select); coding-DNA position 2707, A replaced by T.
Protein change: p.Ser903Cys; replaces serine 903 with cysteine.
Molecular consequence: missense variant.
Genome position (GRCh38, 1-based): chr5:80,813,635, A>T. VCF-style: chr5-80813635-A-T. GRCh37 (hg19) VCF-style: chr5-80109454-A-T.
Other names: short protein forms S903C.
Identifiers: ClinVar variation 1510337 (VCV001510337.10), dbSNP rs2112054261, ClinGen allele CA360273912.
Genomic context (GRCh38, chr5:80,813,635, plus strand): 5'-AATTTTCAGGAGGACTCAGAGAGAGTAATGATAATTACCGGACCAAACATGGGTGGAAAG[A>T]GCTCCTACATAAAACAAGTTGCATTGATTACCATCATGGCTCAGATTGGCTCCTATGTTC-3'
Protein context (NP_002430.3, residues 893-913): IITGPNMGGK[Ser903Cys]SYIKQVALIT

ClinVar aggregate classification (germline): Uncertain significance. Review status: criteria provided, multiple submitters, no conflicts (2 of 4 stars). 2 submissions from 2 submitters: Uncertain significance (2). Last evaluated 2025-04-14.

Conditions:
Hereditary cancer-predisposing syndrome. Also called: Hereditary neoplastic syndrome; Neoplastic Syndromes, Hereditary; Tumor predisposition; Hereditary Cancer Syndrome. Identifiers: Orphanet 140162, MedGen C0027672, MeSH D009386, MONDO:0015356.

Submissions (2):

Labcorp Genetics (formerly Invitae), Labcorp
Classification: Uncertain significance. Last evaluated: 2025-04-14. Review status: criteria provided, single submitter. Criteria: Invitae Variant Classification Sherloc (09022015). Collection method: clinical testing. Allele origin: germline.
Comment: This sequence change replaces serine, which is neutral and polar, with cysteine, which is neutral and slightly polar, at codon 903 of the MSH3 protein (p.Ser903Cys). This variant is not present in population databases (gnomAD no frequency). This variant has not been reported in the literature in individuals affected with MSH3-related conditions. ClinVar contains an entry for this variant (Variation ID: 1510337). An algorithm developed to predict the effect of missense changes on protein structure and function (PolyPhen-2) suggests that this variant is likely to be disruptive. In summary, the available evidence is currently insufficient to determine the role of this variant in disease. Therefore, it has been classified as a Variant of Uncertain Significance.

Ambry Genetics
Classification: Uncertain significance for Hereditary cancer-predisposing syndrome. Last evaluated: 2022-02-12. Review status: criteria provided, single submitter. Criteria: Ambry Variant Classification Scheme 2023. Collection method: clinical testing. Allele origin: germline.
Comment: The p.S903C variant (also known as c.2707A>T), located in coding exon 20 of the MSH3 gene, results from an A to T substitution at nucleotide position 2707. The serine at codon 903 is replaced by cysteine, an amino acid with dissimilar properties. This amino acid position is conserved. In addition, this alteration is predicted to be deleterious by in silico analysis. Since supporting evidence is limited at this time, the clinical significance of this alteration remains unclear.